The following is an entry in ClinVar:

ClinVar aggregate classification (germline): Uncertain significance. Review status: criteria provided, multiple submitters, no conflicts (2 of 4 stars). 2 submissions from 2 submitters: Uncertain significance (2). Last evaluated 2026-04-28.

Conditions:
Dystonia 28, childhood-onset (DYT28). Also called: KMT2B-Related Dystonia (DYT-KMT2B). Identifiers: Orphanet 589618, MedGen C4310633, MONDO:0015004, OMIM 617284.
Inborn genetic diseases. Identifiers: MedGen C0950123, MeSH D030342.

Allele frequency attached by ClinVar (database versions not stated): gnomAD exomes below 0.00001.
gnomAD v4.1: 5 of 1,613,944 alleles (0.00031%); highest among the groups gnomAD compares: Admixed American, 0.0017%; no homozygotes.

Submissions (2):

Ambry Genetics
Classification: Uncertain significance for Inborn genetic diseases. Last evaluated: 2026-04-28. Review status: criteria provided, single submitter. Criteria: Ambry Variant Classification Scheme 2023. Collection method: clinical testing. Allele origin: germline.

Baylor Genetics
Classification: Uncertain significance for Dystonia 28, childhood-onset. Last evaluated: 2018-01-16. Review status: criteria provided, single submitter. Criteria: ACMG Guidelines, 2015. Collection method: clinical testing. Allele origin: maternal. Affected: yes.
Comment: This variant was determined to be of uncertain significance according to ACMG Guidelines, 2015 [PMID:25741868].

NM_014727.3(KMT2B):c.4762G>A (p.Gly1588Arg)

Gene: KMT2B (lysine methyltransferase 2B; plus strand). Cytogenetic location: 19q13.12.
Variant type: single nucleotide variant.
Coding change: c.4762G>A on transcript NM_014727.3 (MANE Select); coding-DNA position 4762, G replaced by A.
Protein change: p.Gly1588Arg; replaces glycine 1588 with arginine.
Molecular consequence: missense variant.
Genome position (GRCh38, 1-based): chr19:35,729,059, G>A. VCF-style: chr19-35729059-G-A. GRCh37 (hg19) VCF-style: chr19-36219960-G-A.
Other names: short protein forms G1588R.
Identifiers: ClinVar variation 1031843 (VCV001031843.2), dbSNP rs1228449559, ClinGen allele CA405417141.
Genomic context (GRCh38, chr19:35,729,059, plus strand): 5'-GATCCGGCTGCCTTCTCACACCTGGAGGACCCCCGTCAGTGTGCACTCTGCCTCAAATAC[G>A]GGGATGCAGACTCCAAGGTGAGGGCTGCTCTGTGACGCACCAGGTTGTGGGGCCTGTTCC-3'
Protein context (NP_055542.1, residues 1578-1598): PRQCALCLKY[Gly1588Arg]DADSKEAGRL